The following is an entry in ClinVar:

NM_000127.3(EXT1):c.92C>T (p.Ser31Leu)

Gene: EXT1 (exostosin glycosyltransferase 1; minus strand). Cytogenetic location: 8q24.11.
Variant type: single nucleotide variant.
Coding change: c.92C>T on transcript NM_000127.3 (MANE Select); coding-DNA position 92, C replaced by T.
Protein change: p.Ser31Leu; replaces serine 31 with leucine.
Molecular consequence: missense variant.
Genome position (GRCh38, 1-based): chr8:118,110,955, G>A on the plus strand (C>T on the coding strand, the complement: EXT1 is on the minus strand). VCF-style: chr8-118110955-G-A. GRCh37 (hg19) VCF-style: chr8-119123194-G-A.
Other names: short protein forms S31L.
Identifiers: ClinVar variation 3683767 (VCV003683767.2).

ClinVar aggregate classification (germline): Uncertain significance (1 of 4 stars; one submission).

Conditions:
Multiple congenital exostosis (EXT). Also called: Multiple exostoses; MULTIPLE CARTILAGINOUS EXOSTOSES; Hereditary multiple osteochondromas; Hereditary multiple exostoses; Hereditary multiple exostosis; Multiple osteochondromas. Identifiers: Orphanet 321, MedGen C0015306, MONDO:0005508, HP:0002762.

gnomAD v4.1: 2 of 1,612,740 alleles (0.00012%); highest among the groups gnomAD compares: Non-Finnish European, 0.00017%; no homozygotes.

Submission:

Labcorp Genetics (formerly Invitae), Labcorp
Classification: Uncertain significance for Multiple congenital exostosis. Last evaluated: 2025-01-06. Review status: criteria provided, single submitter. Criteria: Invitae Variant Classification Sherloc (09022015). Collection method: clinical testing. Allele origin: germline.
Comment: This sequence change replaces serine, which is neutral and polar, with leucine, which is neutral and non-polar, at codon 31 of the EXT1 protein (p.Ser31Leu). The frequency data for this variant in the population databases is considered unreliable, as metrics indicate poor data quality at this position in the gnomAD database. This variant has not been reported in the literature in individuals affected with EXT1-related conditions. Invitae Evidence Modeling of protein sequence and biophysical properties (such as structural, functional, and spatial information, amino acid conservation, physicochemical variation, residue mobility, and thermodynamic stability) indicates that this missense variant is not expected to disrupt EXT1 protein function with a negative predictive value of 95%. In summary, the available evidence is currently insufficient to determine the role of this variant in disease. Therefore, it has been classified as a Variant of Uncertain Significance.